The following is an entry in ClinVar:

ClinVar aggregate classification (germline): Uncertain significance. Review status: criteria provided, multiple submitters, no conflicts (2 of 4 stars). 3 submissions from 3 submitters: Uncertain significance (3). Last evaluated 2025-06-26.

Conditions:
Cardiovascular phenotype. Identifiers: MedGen CN230736.
Dilated cardiomyopathy 1KK (CMD1KK). Identifiers: Orphanet 154, Orphanet 75249, MedGen C3714995, MONDO:0014100, OMIM 615248.

Allele frequency attached by ClinVar (database versions not stated): TOPMed below 0.00001; gnomAD 0.00001.
gnomAD v4.1: 1 of 1,614,028 alleles (0.000062%); highest among the groups gnomAD compares: Non-Finnish European, 0.000085%; no homozygotes.

Submissions (3):

Dasa
Classification: Uncertain significance for Dilated cardiomyopathy 1KK. Last evaluated: 2025-06-26. Review status: criteria provided, single submitter. Criteria: DASA Assertion Criteria. Collection method: clinical testing. Allele origin: germline.
Comment: NM_032578.4(MYPN):c.56G>A (p.Ser19Asn) is a missense variant that results in the substitution of serine with asparagine. This variant is rare in population databases. Computational prediction algorithms are consistent with a benign effect. The currently available literature and clinical evidence are not sufficient to establish a definitive association between this variant and the reported condition. Therefore, this variant is classified as a variant of uncertain significance.

Ambry Genetics
Classification: Uncertain significance for Cardiovascular phenotype. Last evaluated: 2025-02-24. Review status: criteria provided, single submitter. Criteria: Ambry Variant Classification Scheme 2023. Collection method: clinical testing. Allele origin: germline.

Labcorp Genetics (formerly Invitae), Labcorp
Classification: Uncertain significance for Dilated cardiomyopathy 1KK. Last evaluated: 2022-03-08. Review status: criteria provided, single submitter. Criteria: Invitae Variant Classification Sherloc (09022015). Collection method: clinical testing. Allele origin: germline.
Comment: This sequence change replaces serine, which is neutral and polar, with asparagine, which is neutral and polar, at codon 19 of the MYPN protein (p.Ser19Asn). This variant is not present in population databases (gnomAD no frequency). This variant has not been reported in the literature in individuals affected with MYPN-related conditions. Algorithms developed to predict the effect of missense changes on protein structure and function are either unavailable or do not agree on the potential impact of this missense change (SIFT: "Tolerated"; PolyPhen-2: "Probably Damaging"; Align-GVGD: "Class C0"). In summary, the available evidence is currently insufficient to determine the role of this variant in disease. Therefore, it has been classified as a Variant of Uncertain Significance.

NM_032578.4(MYPN):c.56G>A (p.Ser19Asn)

Gene: MYPN (myopalladin; plus strand). Cytogenetic location: 10q21.3.
Variant type: single nucleotide variant.
Coding change: c.56G>A on transcript NM_032578.4 (MANE Select); coding-DNA position 56, G replaced by A.
Protein change: p.Ser19Asn; replaces serine 19 with asparagine.
Molecular consequence: missense variant. On other transcripts: 5 prime UTR variant (1), non-coding transcript variant (1).
Genome position (GRCh38, 1-based): chr10:68,121,494, G>A. VCF-style: chr10-68121494-G-A. GRCh37 (hg19) VCF-style: chr10-69881251-G-A.
Other names: c.56G>A, p.Ser19Asn (NM_001256267.2); c.-1067G>A (NM_001256268.2); c.56G>A (NM_032578.2); short protein forms S19N.
Identifiers: ClinVar variation 1358133 (VCV001358133.8), dbSNP rs1379540680, ClinGen allele CA377103517.